The following is an entry in ClinVar:

NM_000257.4(MYH7):c.4980A>C (p.Ala1660=)

Genes: MHRT (myosin heavy chain associated RNA transcript; plus strand), MYH7 (myosin heavy chain 7; minus strand), LOC126861897 (BRD4-independent group 4 enhancer GRCh37_chr14:23884455-23885654; plus strand). Cytogenetic location: 14q11.2.
Variant type: single nucleotide variant.
Coding change: c.4980A>C on transcript NM_000257.4 (MANE Select); coding-DNA position 4980, A replaced by C.
Protein change: p.Ala1660=; no amino-acid change (alanine 1660 retained).
Molecular consequence: synonymous variant. On other transcripts: non-coding transcript variant (1).
Genome position (GRCh38, 1-based): chr14:23,415,806, T>G on the plus strand (A>C on the coding strand, the complement: MYH7 is on the minus strand). VCF-style: chr14-23415806-T-G. GRCh37 (hg19) VCF-style: chr14-23885015-T-G.
Identifiers: ClinVar variation 188638 (VCV000188638.18), dbSNP rs112943492, ClinGen allele CA015515.

ClinVar aggregate classification (germline): Likely benign. Review status: criteria provided, multiple submitters, no conflicts (2 of 4 stars). 7 submissions from 7 submitters: Likely benign (7). Last evaluated 2026-01-27.

Conditions:
MYH7-related disorder. Also called: MYH7-related condition; MYH7-related disease; MYH7-related disorders.
Cardiovascular phenotype. Identifiers: MedGen CN230736.
Cardiomyopathy (CMYO). Also called: Cardiomyopathies. Identifiers: Orphanet 167848, MedGen C0878544, MONDO:0004994, HP:0001638. Inheritance: Various modes of inheritance.
Hypertrophic cardiomyopathy. Also called: HYPERTROPHIC MYOCARDIOPATHY. Identifiers: Orphanet 217569, MedGen C0007194, MeSH D002312, MONDO:0005045, HP:0001639.

Allele frequency attached by ClinVar (database versions not stated): TOPMed 0.00015; ESP Exome Variant Server 0.00023.
gnomAD v4.1: 34 of 1,614,052 alleles (0.0021%); highest among the groups gnomAD compares: African/African-American, 0.037%; no homozygotes.

Submissions (7):

Labcorp Genetics (formerly Invitae), Labcorp
Classification: Likely benign for Hypertrophic cardiomyopathy. Last evaluated: 2026-01-27. Review status: criteria provided, single submitter. Criteria: Invitae Variant Classification Sherloc (09022015). Collection method: clinical testing. Allele origin: germline.

PreventionGenetics, part of Exact Sciences
Classification: Likely benign for MYH7-related condition. Last evaluated: 2025-12-12. Review status: criteria provided, single submitter. Criteria: ACMG Guidelines, 2015. Collection method: clinical testing. Allele origin: germline.
Comment: This variant is classified as likely benign based on ACMG/AMP sequence variant interpretation guidelines (Richards et al. 2015 PMID: 25741868, with internal and published modifications).

All of Us Research Program, National Institutes of Health
Classification: Likely benign for Cardiomyopathy. Last evaluated: 2024-01-10. Review status: criteria provided, single submitter. Criteria: ACMG Guidelines, 2015. Collection method: clinical testing. Allele origin: germline. Inheritance: Autosomal dominant inheritance. Observed: 12 variant alleles, 12 heterozygotes.
Comment: This study involves interpretation of variants in research participants for the purpose of population health screening. Participant phenotype was not available at the time of variant classification. Additional details can be found in publication PMID: 35346344, PMCID: PMC8962531

CHEO Genetics Diagnostic Laboratory, Children's Hospital of Eastern Ontario
Classification: Likely benign for Cardiomyopathy. Last evaluated: 2023-01-31. Review status: criteria provided, single submitter. Criteria: ACMG Guidelines, 2015. Collection method: clinical testing. Allele origin: germline.

Ambry Genetics
Classification: Likely benign for Cardiovascular phenotype. Last evaluated: 2020-11-13. Review status: criteria provided, single submitter. Criteria: Ambry Variant Classification Scheme 2023. Collection method: clinical testing. Allele origin: germline.

GeneDx
Classification: Likely benign. Last evaluated: 2019-07-23. Review status: criteria provided, single submitter. Criteria: GeneDx Variant Classification Process June 2021. Collection method: clinical testing. Allele origin: germline. Affected: yes.

Color Diagnostics, LLC DBA Color Health
Classification: Likely benign for Cardiomyopathy. Last evaluated: 2019-01-25. Review status: criteria provided, single submitter. Criteria: ACMG Guidelines, 2015. Collection method: clinical testing. Allele origin: germline.